The following is an entry in ClinVar:

NC_000016.9:g.(?_88798723)_(88909257_?)dup

Genes: APRT (adenine phosphoribosyltransferase; minus strand), CDT1 (chromatin licensing and DNA replication factor 1; plus strand), GALNS (galactosamine (N-acetyl)-6-sulfatase; minus strand), PIEZO1 (piezo type mechanosensitive ion channel component 1 (Er blood group); minus strand). Cytogenetic location: 16q24.3.
Variant type: Duplication.
Identifiers: ClinVar variation 1373054 (VCV001373054.5).

ClinVar aggregate classification (germline): Uncertain significance. Review status: criteria provided, single submitter (1 of 4 stars). 2 submissions from 1 submitter: Uncertain significance (1). 1 of the submissions does not count toward it. Last evaluated 2022-03-22.

Conditions:
Mucopolysaccharidosis, MPS-IV-A (MPS4A). Also called: Morquio syndrome A, mild; MORQUIO SYNDROME A; GALACTOSAMINE-6-SULFATASE DEFICIENCY; GALNS DEFICIENCY; MORQUIO A DISEASE; Mucopolysaccharidosis type IV A. Identifiers: Orphanet 309297, Orphanet 582, MedGen C0086651, MONDO:0009659, OMIM 253000.

Submissions (2):

Labcorp Genetics (formerly Invitae), Labcorp
Classification: Uncertain significance for Mucopolysaccharidosis, MPS-IV-A. Last evaluated: 2022-03-22. Review status: criteria provided, single submitter. Criteria: Invitae Variant Classification Sherloc (09022015). Collection method: clinical testing. Allele origin: germline.
Comment: In summary, the available evidence is currently insufficient to determine the role of this variant in disease. Therefore, it has been classified as a Variant of Uncertain Significance. Experimental studies and prediction algorithms are not available or were not evaluated, and the functional significance of this variant is currently unknown. This variant has not been reported in the literature in individuals affected with GALNS-related conditions. This variant results in a copy number gain of the genomic region encompassing exon(s) 2-14 of the GALNS gene. This region includes the termination codon of the gene. This copy number gain extends beyond the assayed region for this gene and therefore may encompass additional genes. As the precise location of this event is unknown, it may be in tandem or it may be located elsewhere in the genome.

Labcorp Genetics (formerly Invitae), Labcorp
Classification: Uncertain significance. Last evaluated: 2022-03-22. Review status: flagged submission. Criteria: Invitae Variant Classification Sherloc (09022015). Collection method: clinical testing. Allele origin: germline. Not counted in ClinVar's aggregate classification.
Comment: A copy number gain of the genomic region encompassing the full coding sequence of the CDT1 gene has been identified. The boundaries of this event are unknown as they extend beyond the assayed region for this gene and therefore may encompass additional genes. As the precise location of this event is unknown, it may be in tandem or it may be located elsewhere in the genome. This variant has not been reported in the literature in individuals affected with CDT1-related conditions. In summary, the available evidence is currently insufficient to determine the role of this variant in disease. Therefore, it has been classified as a Variant of Uncertain Significance.
ClinVar note: Reason: This record appears to be redundant with a more recent record from the same submitter.
ClinVar note: Notes: SCV002236597 appears to be redundant with SCV002145241.